The following is an entry in ClinVar:

NM_000363.5(TNNI3):c.547A>T (p.Lys183Ter)

Gene: TNNI3 (troponin I3, cardiac type; minus strand). Cytogenetic location: 19q13.42.
Variant type: single nucleotide variant.
Coding change: c.547A>T on transcript NM_000363.5 (MANE Select); coding-DNA position 547, A replaced by T.
Protein change: p.Lys183Ter; replaces lysine 183 with a stop codon.
Molecular consequence: nonsense.
Genome position (GRCh38, 1-based): chr19:55,154,032, T>A on the plus strand (A>T on the coding strand, the complement: TNNI3 is on the minus strand). VCF-style: chr19-55154032-T-A. GRCh37 (hg19) VCF-style: chr19-55665400-T-A.
Other names: short protein forms K183*.
Identifiers: ClinVar variation 3722249 (VCV003722249.2).

ClinVar aggregate classification (germline): Likely pathogenic (1 of 4 stars; one submission).

Conditions:
Hypertrophic cardiomyopathy. Also called: HYPERTROPHIC MYOCARDIOPATHY. Identifiers: Orphanet 217569, MedGen C0007194, MeSH D002312, MONDO:0005045, HP:0001639.

Submission:

Labcorp Genetics (formerly Invitae), Labcorp
Classification: Likely pathogenic for Hypertrophic cardiomyopathy. Last evaluated: 2024-12-30. Review status: criteria provided, single submitter. Criteria: Invitae Variant Classification Sherloc (09022015). Collection method: clinical testing. Allele origin: germline.
Comment: This sequence change creates a premature translational stop signal (p.Lys183*) in the TNNI3 gene. While this is not anticipated to result in nonsense mediated decay, it is expected to disrupt the last 28 amino acid(s) of the TNNI3 protein. This variant is not present in population databases (gnomAD no frequency). This premature translational stop signal has been observed in individual(s) with restrictive cardiomyopathy (internal data). In at least one individual the variant was observed to be de novo. In summary, the currently available evidence indicates that the variant is pathogenic, but additional data are needed to prove that conclusively. Therefore, this variant has been classified as Likely Pathogenic.